The following is an entry in ClinVar:

ClinVar aggregate classification (germline): Uncertain significance (1 of 4 stars; one submission).

Conditions:
Left ventricular noncompaction 8 (LVNC8). Identifiers: Orphanet 154, Orphanet 54260, MedGen C3809288, MONDO:0014152, OMIM 615373.

Submission:

Labcorp Genetics (formerly Invitae), Labcorp
Classification: Uncertain significance for Left ventricular noncompaction 8. Last evaluated: 2025-01-23. Review status: criteria provided, single submitter. Criteria: Invitae Variant Classification Sherloc (09022015). Collection method: clinical testing. Allele origin: germline.
Comment: This sequence change replaces glutamine, which is neutral and polar, with leucine, which is neutral and non-polar, at codon 422 of the PRDM16 protein (p.Gln422Leu). This variant is not present in population databases (gnomAD no frequency). This variant has not been reported in the literature in individuals affected with PRDM16-related conditions. An algorithm developed to predict the effect of missense changes on protein structure and function (PolyPhen-2) suggests that this variant is likely to be disruptive. In summary, the available evidence is currently insufficient to determine the role of this variant in disease. Therefore, it has been classified as a Variant of Uncertain Significance.

NM_022114.4(PRDM16):c.1265A>T (p.Gln422Leu)

Gene: PRDM16 (PR/SET domain 16; plus strand). Cytogenetic location: 1p36.32.
Variant type: single nucleotide variant.
Coding change: c.1265A>T on transcript NM_022114.4 (MANE Select); coding-DNA position 1265, A replaced by T.
Protein change: p.Gln422Leu; replaces glutamine 422 with leucine.
Molecular consequence: missense variant.
Genome position (GRCh38, 1-based): chr1:3,411,462, A>T. VCF-style: chr1-3411462-A-T. GRCh37 (hg19) VCF-style: chr1-3328026-A-T.
Other names: c.1265A>T, p.Gln422Leu (NM_199454.3); short protein forms Q422L.
Identifiers: ClinVar variation 3729540 (VCV003729540.2).
Genomic context (GRCh38, chr1:3,411,462, plus strand): 5'-CCTACACGCAGTTCTCCAACCTGTGCCGGCACAAGCGGATGCACGCCGACTGCCGCACGC[A>T]GATCAAGTGCAAGGACTGTGGCCAGATGTTCAGCACTACCTCCTCCCTCAACAAGCACCG-3'
Protein context (NP_071397.3, residues 412-432): HKRMHADCRT[Gln422Leu]IKCKDCGQMF